The following is an entry in ClinVar:

ClinVar aggregate classification (germline): Pathogenic. Review status: reviewed by expert panel (3 of 4 stars). 5 submissions from 5 submitters: Pathogenic (1). 4 of the submissions do not count toward it. Last evaluated 2016-09-08.

Conditions:
Hereditary breast ovarian cancer syndrome. Also called: Breast and ovarian cancer; Hereditary breast and ovarian cancer; Hereditary breast and ovarian cancer syndrome; BRCA1- and BRCA2-Associated Hereditary Breast and Ovarian Cancer; Hereditary breast and ovarian cancer syndrome (HBOC); Hereditary breast and/or ovarian cancer syndrome. Identifiers: Orphanet 145, MedGen C0677776, MeSH D061325, MONDO:0003582. Disease mechanism: loss of function.
Hereditary cancer-predisposing syndrome. Also called: Tumor predisposition; Hereditary Cancer Syndrome; Neoplastic Syndromes, Hereditary; Hereditary neoplastic syndrome. Identifiers: Orphanet 140162, MedGen C0027672, MeSH D009386, MONDO:0015356.
Breast-ovarian cancer, familial, susceptibility to, 2 (BROVCA2). Also called: BRCA2 Hereditary Breast and Ovarian Cancer. Identifiers: Orphanet 145, MedGen C2675520, MONDO:0012933, OMIM 612555. Disease mechanism: loss of function.

Submissions (5):

Evidence-based Network for the Interpretation of Germline Mutant Alleles (ENIGMA)
Classification: Pathogenic for Breast-ovarian cancer, familial, susceptibility to, 2. Last evaluated: 2016-09-08. Review status: reviewed by expert panel. Criteria: ENIGMA BRCA1/2 Classification Criteria (2015). Collection method: curation. Allele origin: germline.
Comment: Variant allele predicted to encode a truncated non-functional protein.

Labcorp Genetics (formerly Invitae), Labcorp
Classification: Pathogenic for Hereditary breast ovarian cancer syndrome. Last evaluated: 2025-09-03. Review status: criteria provided, single submitter. Criteria: Invitae Variant Classification Sherloc (09022015). Collection method: clinical testing. Allele origin: germline. Not counted in ClinVar's aggregate classification.
Comment: This sequence change creates a premature translational stop signal (p.Ile873Asnfs*8) in the BRCA2 gene. It is expected to result in an absent or disrupted protein product. Loss-of-function variants in BRCA2 are known to be pathogenic (PMID: 20104584). This variant is not present in population databases (gnomAD no frequency). This premature translational stop signal has been observed in individual(s) with high risk of breast and/or ovarian cancer (PMID: 29446198). ClinVar contains an entry for this variant (Variation ID: 91779). For these reasons, this variant has been classified as Pathogenic.

Ambry Genetics
Classification: Pathogenic for Hereditary cancer-predisposing syndrome. Last evaluated: 2024-10-04. Review status: criteria provided, single submitter. Criteria: Ambry Variant Classification Scheme 2023. Collection method: clinical testing. Allele origin: germline. Not counted in ClinVar's aggregate classification.
Comment: The c.2617dupA pathogenic mutation, located in coding exon 10 of the BRCA2 gene, results from a duplication of A at nucleotide position 2617, causing a translational frameshift with a predicted alternate stop codon (p.I873Nfs*8). This variant is considered to be rare based on population cohorts in the Genome Aggregation Database (gnomAD). This alteration is expected to result in loss of function by premature protein truncation or nonsense-mediated mRNA decay. As such, this alteration is interpreted as a disease-causing mutation.

Consortium of Investigators of Modifiers of BRCA1/2 (CIMBA), c/o University of Cambridge
Classification: Pathogenic for Breast-ovarian cancer, familial, susceptibility to, 2. Last evaluated: 2015-10-02. Review status: criteria provided, single submitter. Criteria: CIMBA Mutation Classification guidelines May 2016. Collection method: clinical testing. Allele origin: germline. Not counted in ClinVar's aggregate classification.

Sharing Clinical Reports Project (SCRP)
Classification: Pathogenic for Breast-ovarian cancer, familial 2. Last evaluated: 2008-05-22. Review status: no assertion criteria provided. Collection method: clinical testing. Allele origin: germline. Not counted in ClinVar's aggregate classification.

Literature cited by the submitters: PubMed 20104584 (cited by Labcorp Genetics (formerly Invitae), Labcorp); PubMed 29446198 (cited by Labcorp Genetics (formerly Invitae), Labcorp).

NM_000059.4(BRCA2):c.2617dup (p.Ile873fs)

Gene: BRCA2 (BRCA2 DNA repair associated; plus strand). Cytogenetic location: 13q13.1.
Variant type: Duplication.
Coding change: c.2617dup on transcript NM_000059.4 (MANE Select); coding-DNA position 2617, one base duplicated (A; older notation c.2617dupA).
Protein change: p.Ile873fs; shifts the reading frame from isoleucine 873.
Molecular consequence: frameshift variant.
Genome position (GRCh38, 1-based): chr13:32,336,972, A duplicated; the last of 5 consecutive A bases (chr13:32,336,968-32,336,972); duplicating any one gives the same sequence. VCF-style (leftmost placement, unchanged base first): chr13-32336967-C-CA. GRCh37 (hg19) VCF-style: chr13-32911104-C-CA.
Other names: 2845insA; c.2617dupA (NM_000059.3); short protein forms I873fs.
Identifiers: ClinVar variation 91779 (VCV000091779.14), dbSNP rs398122748, ClinGen allele CA015849.